The following is an entry in ClinVar:

NM_001080547.2(SPI1):c.325_327delinsAG (p.Gly109fs)

Gene: SPI1 (Spi-1 proto-oncogene; minus strand). Cytogenetic location: 11p11.2.
Variant type: Indel.
Coding change: c.325_327delinsAG on transcript NM_001080547.2; coding-DNA positions 325 to 327, GGC replaced by AG.
Protein change: p.Gly109fs; shifts the reading frame from glycine 109.
Molecular consequence: frameshift variant.
Genome position (GRCh38, 1-based): chr11:47,359,859-47,359,861, GCC replaced by CT on the plus strand (GGC replaced by AG on the coding strand, the reverse complement: SPI1 is on the minus strand). VCF-style: chr11-47359859-GCC-CT. GRCh37 (hg19) VCF-style: chr11-47381410-GCC-CT.
Other names: DEL/INS, NT325; c.322_324delinsAG, p.Gly108fs (NM_003120.3); c.325_327delGGCinsAG (NM_001080547.2); short protein forms G109fs, G108fs.
Identifiers: ClinVar variation 585156 (VCV000585156.6), dbSNP rs1565638431, ClinGen allele CA891842486.

ClinVar aggregate classification (germline): Pathogenic. Review status: no assertion criteria provided (0 of 4 stars). 3 submissions from 2 submitters: Pathogenic (3). Last evaluated 2024-08-28.

Conditions:
Agammaglobulinemia. Identifiers: Orphanet 183669, MedGen C0001768, MeSH D000361, MONDO:0015977, HP:0004432.
Agammaglobulinemia 10, autosomal dominant (AGM10). Also called: AGAMMAGLOBULINEMIA, AUTOSOMAL DOMINANT, DUE TO SPI1 DEFECT. Identifiers: MedGen C5676900, MONDO:0030529, OMIM 619707.
PU.1-mutated agammaglobulinemia.

Submissions (3):

Neil Romberg Laboratory, Children's Hospital of Philadelphia
Classification: Pathogenic for Agammaglobulinemia. Last evaluated: 2024-08-28. Review status: no assertion criteria provided. Collection method: research. Allele origin: germline. Affected: yes.

OMIM
Classification: Pathogenic for AGAMMAGLOBULINEMIA 10, AUTOSOMAL DOMINANT. Last evaluated: 2022-01-25. Review status: no assertion criteria provided. Collection method: literature only. Allele origin: germline.

Neil Romberg Laboratory, Children's Hospital of Philadelphia
Classification: Pathogenic for PU.1-mutated agammaglobulinemia. Last evaluated: 2019-12-10. Review status: no assertion criteria provided. Collection method: research. Allele origin: de novo. Affected: yes.

Literature cited by the submitters: PubMed 33951726 (cited by OMIM).